The following is an entry in ClinVar:

ClinVar aggregate classification (germline): Pathogenic (1 of 4 stars; one submission).

Conditions:
Nemaline myopathy 2 (NEM2). Also called: Nemaline myopathy 2, autosomal recessive. Identifiers: MedGen C1850569, MONDO:0009725, OMIM 256030.

Submission:

Labcorp Genetics (formerly Invitae), Labcorp
Classification: Pathogenic for Nemaline myopathy 2. Last evaluated: 2019-04-10. Review status: criteria provided, single submitter. Criteria: Invitae Variant Classification Sherloc (09022015). Collection method: clinical testing. Allele origin: germline.
Comment: Loss-of-function variants in NEB are known to be pathogenic (PMID: 25205138). This sequence change creates a premature translational stop signal (p.Gln520*) in the NEB gene. It is expected to result in an absent or disrupted protein product. This variant is not present in population databases (ExAC no frequency). This variant has not been reported in the literature in individuals with NEB-related conditions. For these reasons, this variant has been classified as Pathogenic.

Literature cited by the submitters: PubMed 25205138.

NM_001164508.2(NEB):c.1558C>T (p.Gln520Ter)

Gene: NEB (nebulin; minus strand). Cytogenetic location: 2q23.3.
Variant type: single nucleotide variant.
Coding change: c.1558C>T on transcript NM_001164508.2 (MANE Select); coding-DNA position 1558, C replaced by T.
Protein change: p.Gln520Ter; replaces glutamine 520 with a stop codon.
Molecular consequence: nonsense.
Genome position (GRCh38, 1-based): chr2:151,696,648, G>A on the plus strand (C>T on the coding strand, the complement: NEB is on the minus strand). VCF-style: chr2-151696648-G-A. GRCh37 (hg19) VCF-style: chr2-152553162-G-A.
Other names: c.1558C>T, p.Gln520Ter (NM_001164507.2, NM_001271208.2, NM_004543.5); short protein forms Q520*.
Identifiers: ClinVar variation 863778 (VCV000863778.7), dbSNP rs757999917, ClinGen allele CA348825085.